The following is an entry in ClinVar:

ClinVar aggregate classification (germline): Likely benign (0 of 4 stars; one submission).

Conditions:
SETD1B-related disorder. Also called: SETD1B-related condition.

Submission:

PreventionGenetics, part of Exact Sciences
Classification: Likely benign for SETD1B-related condition. Last evaluated: 2024-07-12. Review status: no assertion criteria provided. Collection method: clinical testing. Allele origin: germline.
Comment: This variant is classified as likely benign based on ACMG/AMP sequence variant interpretation guidelines (Richards et al. 2015 PMID: 25741868, with internal and published modifications).

NM_001353345.2(SETD1B):c.2982C>T (p.Ser994=)

Gene: SETD1B (SET domain containing 1B, histone lysine methyltransferase; plus strand). Cytogenetic location: 12q24.31.
Variant type: single nucleotide variant.
Coding change: c.2982C>T on transcript NM_001353345.2 (MANE Select); coding-DNA position 2982, C replaced by T.
Protein change: p.Ser994=; no amino-acid change (serine 994 retained).
Molecular consequence: synonymous variant.
Genome position (GRCh38, 1-based): chr12:121,817,374, C>T. VCF-style: chr12-121817374-C-T. GRCh37 (hg19) VCF-style: chr12-122255280-C-T.
Other names: NM_015048.1:c.2982C>T.
Identifiers: ClinVar variation 3355184 (VCV003355184.1).